The following is an entry in ClinVar:

NM_000308.4(CTSA):c.601-2A>C

Gene: CTSA (cathepsin A; plus strand). Cytogenetic location: 20q13.12.
Variant type: single nucleotide variant.
Coding change: c.601-2A>C on transcript NM_000308.4 (MANE Select); the canonical splice acceptor site of the intron before coding-DNA position 601, A replaced by C.
Molecular consequence: splice acceptor variant.
Genome position (GRCh38, 1-based): chr20:45,893,218, A>C. VCF-style: chr20-45893218-A-C. GRCh37 (hg19) VCF-style: chr20-44521857-A-C.
Other names: c.601-2A>C (NM_001127695.3); c.550-2A>C (NM_001167594.3).
Identifiers: ClinVar variation 2752360 (VCV002752360.3), dbSNP rs778159802, ClinGen allele CA409250911.

ClinVar aggregate classification (germline): Likely pathogenic (1 of 4 stars; one submission).

Conditions:
Combined deficiency of sialidase AND beta galactosidase (GSL). Also called: PPCA DEFICIENCY; PROTECTIVE PROTEIN/CATHEPSIN A DEFICIENCY; Galactosialidosis; CATHEPSIN A DEFICIENCY; GOLDBERG SYNDROME; NEURAMINIDASE DEFICIENCY WITH BETA-GALACTOSIDASE DEFICIENCY. Identifiers: Orphanet 351, MedGen C0268233, MONDO:0009737, OMIM 256540.

gnomAD v4.1: 1 of 1,613,690 alleles (0.000062%); highest among the groups gnomAD compares: Non-Finnish European, 0.000085%; no homozygotes.

Submission:

Labcorp Genetics (formerly Invitae), Labcorp
Classification: Likely pathogenic for Combined deficiency of sialidase AND beta galactosidase. Last evaluated: 2023-05-30. Review status: criteria provided, single submitter. Criteria: Invitae Variant Classification Sherloc (09022015). Collection method: clinical testing. Allele origin: germline.
Comment: In summary, the currently available evidence indicates that the variant is pathogenic, but additional data are needed to prove that conclusively. Therefore, this variant has been classified as Likely Pathogenic. Algorithms developed to predict the effect of sequence changes on RNA splicing suggest that this variant may disrupt the consensus splice site. Disruption of this splice site has been observed in individual(s) with clinical features of galactosialidosis (PMID: 28454995). This variant is not present in population databases (gnomAD no frequency). This sequence change affects an acceptor splice site in intron 6 of the CTSA gene. It is expected to disrupt RNA splicing. Variants that disrupt the donor or acceptor splice site typically lead to a loss of protein function (PMID: 16199547), and loss-of-function variants in CTSA are known to be pathogenic (PMID: 15110321, 23915561).

Literature cited by the submitters: PubMed 28454995; PubMed 16199547; PubMed 15110321; PubMed 23915561.